The following is an entry in ClinVar:

ClinVar aggregate classification (germline): Benign. Review status: criteria provided, single submitter (1 of 4 stars). 2 submissions from 2 submitters: Benign (1). 1 of the submissions does not count toward it. Last evaluated 2025-12-23.

Conditions:
HMCN1-related disorder. Also called: HMCN1-related condition.

Allele frequency attached by ClinVar (database versions not stated): 1000 Genomes Project 30x 0.00047; 1000 Genomes Project 0.00060; TOPMed 0.00060; gnomAD 0.00061 and 0.00068; ESP Exome Variant Server 0.00077; ExAC 0.00016; gnomAD exomes 0.00016.
gnomAD v4.1: 154 of 1,613,206 alleles (0.0095%); highest among the groups gnomAD compares: African/African-American, 0.19%; no homozygotes.

Submissions (2):

Labcorp Genetics (formerly Invitae), Labcorp
Classification: Benign. Last evaluated: 2025-12-23. Review status: criteria provided, single submitter. Criteria: Invitae Variant Classification Sherloc (09022015). Collection method: clinical testing. Allele origin: germline.

PreventionGenetics, part of Exact Sciences
Classification: Likely benign for HMCN1-related condition. Last evaluated: 2019-08-12. Review status: no assertion criteria provided. Collection method: clinical testing. Allele origin: germline. Not counted in ClinVar's aggregate classification.
Comment: This variant is classified as likely benign based on ACMG/AMP sequence variant interpretation guidelines (Richards et al. 2015 PMID: 25741868, with internal and published modifications).

NM_031935.3(HMCN1):c.2778G>A (p.Lys926=)

Gene: HMCN1 (hemicentin 1; plus strand). Cytogenetic location: 1q31.1.
Variant type: single nucleotide variant.
Coding change: c.2778G>A on transcript NM_031935.3 (MANE Select); coding-DNA position 2778, G replaced by A.
Protein change: p.Lys926=; no amino-acid change (lysine 926 retained).
Molecular consequence: synonymous variant.
Genome position (GRCh38, 1-based): chr1:185,982,377, G>A. VCF-style: chr1-185982377-G-A. GRCh37 (hg19) VCF-style: chr1-185951509-G-A.
Other names: c.2778G>A (NM_031935.2).
Identifiers: ClinVar variation 1599557 (VCV001599557.10), dbSNP rs149049922, ClinGen allele CA1291491.